The following is an entry in ClinVar:

NM_001999.4(FBN2):c.8098T>A (p.Ser2700Thr)

Gene: FBN2 (fibrillin 2; minus strand). Cytogenetic location: 5q23.3.
Variant type: single nucleotide variant.
Coding change: c.8098T>A on transcript NM_001999.4 (MANE Select); coding-DNA position 8098, T replaced by A.
Protein change: p.Ser2700Thr; replaces serine 2700 with threonine.
Molecular consequence: missense variant.
Genome position (GRCh38, 1-based): chr5:128,263,519, A>T on the plus strand (T>A on the coding strand, the complement: FBN2 is on the minus strand). VCF-style: chr5-128263519-A-T. GRCh37 (hg19) VCF-style: chr5-127599211-A-T.
Other names: short protein forms S2700T.
Identifiers: ClinVar variation 2079926 (VCV002079926.4), dbSNP rs1160756542, ClinGen allele CA360748502.
Genomic context (GRCh38, chr5:128,263,519, plus strand): 5'-CACAGAGGTAGCCCCCCTCCGTGTTAGAGCAGCCGTAATTGCAGGGGTTCTTGGAGGACG[A>T]GCACTCATTCACGTCGTGGCAGGCACTGGAGAACTGGTCGAAGGAGAACCCCGAGGGGCA-3'
Protein context (NP_001990.2, residues 2690-2710): SSACHDVNEC[Ser2700Thr]SSKNPCNYGC

ClinVar aggregate classification (germline): Uncertain significance (1 of 4 stars; one submission).

Conditions:
Congenital contractural arachnodactyly (CCA). Also called: BEALS SYNDROME; Beals-Hecht syndrome; Arthrogryposis, distal, type 9. Identifiers: Orphanet 115, MedGen C0220668, MONDO:0007363, OMIM 121050.

Submission:

Labcorp Genetics (formerly Invitae), Labcorp
Classification: Uncertain significance for Congenital contractural arachnodactyly. Last evaluated: 2022-05-05. Review status: criteria provided, single submitter. Criteria: Invitae Variant Classification Sherloc (09022015). Collection method: clinical testing. Allele origin: germline.
Comment: In summary, the available evidence is currently insufficient to determine the role of this variant in disease. Therefore, it has been classified as a Variant of Uncertain Significance. Advanced modeling of protein sequence and biophysical properties (such as structural, functional, and spatial information, amino acid conservation, physicochemical variation, residue mobility, and thermodynamic stability) performed at Invitae indicates that this missense variant is not expected to disrupt FBN2 protein function. This variant has not been reported in the literature in individuals affected with FBN2-related conditions. This variant is not present in population databases (gnomAD no frequency). This sequence change replaces serine, which is neutral and polar, with threonine, which is neutral and polar, at codon 2700 of the FBN2 protein (p.Ser2700Thr).